The following is an entry in ClinVar:

NM_000102.4(CYP17A1):c.287G>T (p.Arg96Leu)

Gene: CYP17A1 (cytochrome P450 family 17 subfamily A member 1; minus strand). Cytogenetic location: 10q24.32.
Variant type: single nucleotide variant.
Coding change: c.287G>T on transcript NM_000102.4 (MANE Select); coding-DNA position 287, G replaced by T.
Protein change: p.Arg96Leu; replaces arginine 96 with leucine.
Molecular consequence: missense variant.
Genome position (GRCh38, 1-based): chr10:102,837,075, C>A on the plus strand (G>T on the coding strand, the complement: CYP17A1 is on the minus strand). VCF-style: chr10-102837075-C-A. GRCh37 (hg19) VCF-style: chr10-104596832-C-A.
Other names: short protein forms R96L.
Identifiers: ClinVar variation 2882439 (VCV002882439.3), dbSNP rs104894153, ClinGen allele CA377940576.
Genomic context (GRCh38, chr10:102,837,075, plus strand): 5'-CAATCCCAGGGGGTGGTGAAGGGGGCAGGGAGGAGATGGGCACCACTTACCATTTGAGGC[C>A]GCCCAGAGAAGTCCTTGCCCTTCTTAATAAGCACCTCCTTGGCCAGCTGGTGGTGGCCGA-3'
Protein context (NP_000093.1, residues 86-106): LIKKGKDFSG[Arg96Leu]PQMATLDIAS

ClinVar aggregate classification (germline): Likely pathogenic (1 of 4 stars; one submission).

Submission:

Labcorp Genetics (formerly Invitae), Labcorp
Classification: Likely pathogenic. Last evaluated: 2023-03-21. Review status: criteria provided, single submitter. Criteria: Invitae Variant Classification Sherloc (09022015). Collection method: clinical testing. Allele origin: germline.
Comment: In summary, the currently available evidence indicates that the variant is pathogenic, but additional data are needed to prove that conclusively. Therefore, this variant has been classified as Likely Pathogenic. This variant disrupts the p.Arg96 amino acid residue in CYP17A1. Other variant(s) that disrupt this residue have been determined to be pathogenic (PMID: 16569739, 21846181, 23291414, 23466679, 26543560, 28008861). This suggests that this residue is clinically significant, and that variants that disrupt this residue are likely to be disease-causing. Advanced modeling of protein sequence and biophysical properties (such as structural, functional, and spatial information, amino acid conservation, physicochemical variation, residue mobility, and thermodynamic stability) performed at Invitae indicates that this missense variant is expected to disrupt CYP17A1 protein function. This variant has not been reported in the literature in individuals affected with CYP17A1-related conditions. This variant is not present in population databases (gnomAD no frequency). This sequence change replaces arginine, which is basic and polar, with leucine, which is neutral and non-polar, at codon 96 of the CYP17A1 protein (p.Arg96Leu).

Literature cited by the submitters: PubMed 16569739; PubMed 21846181; PubMed 23291414; PubMed 23466679; PubMed 26543560; PubMed 28008861.